The following is an entry in ClinVar:

ClinVar aggregate classification (germline): Uncertain significance (1 of 4 stars; one submission).

Conditions:
Epidermolysis bullosa simplex with nail dystrophy (EBS5D). Identifiers: MedGen C4225309, MONDO:0014661, OMIM 616487.
Epidermolysis bullosa simplex, Ogna type (EBS5A). Also called: EPIDERMOLYSIS BULLOSA SIMPLEX 5A, OGNA TYPE; Pidermolysis bullosa simplex 5A, Ogna type. Identifiers: Orphanet 79401, MedGen C0432317, MONDO:0007555, OMIM 131950.
Autosomal recessive limb-girdle muscular dystrophy type 2Q (LGMDR17). Also called: MUSCULAR DYSTROPHY, LIMB-GIRDLE, AUTOSOMAL RECESSIVE 17. Identifiers: Orphanet 254361, MedGen C3150989, MONDO:0013390, OMIM 613723.
Epidermolysis bullosa simplex 5B, with muscular dystrophy (EBS5B). Also called: EPIDERMOLYSIS BULLOSA SIMPLEX AND LIMB-GIRDLE MUSCULAR DYSTROPHY; Epidermolysis bullosa simplex with muscular dystrophy. Identifiers: Orphanet 257, MedGen C2931072, MONDO:0009181, OMIM 226670.
Epidermolysis bullosa simplex 5C, with pyloric atresia (EBS5C). Also called: PLEC1-Related Epidermolysis Bullosa with Pyloric Atresia; PLEC-Related Epidermolysis Bullosa with Pyloric Atresia; Epidermolysis bullosa simplex with pyloric atresia. Identifiers: Orphanet 158684, MedGen C2677349, MONDO:0012807, OMIM 612138.

gnomAD v4.1: 1 of 1,537,974 alleles (0.000065%); highest among the groups gnomAD compares: African/African-American, 0.0014%; no homozygotes.

Submission:

Labcorp Genetics (formerly Invitae), Labcorp
Classification: Uncertain significance for Autosomal recessive limb-girdle muscular dystrophy type 2Q; Epidermolysis bullosa simplex, Ogna type; Epidermolysis bullosa simplex with nail dystrophy; Epidermolysis bullosa simplex 5C, with pyloric atresia; Epidermolysis bullosa simplex 5B, with muscular dystrophy. Last evaluated: 2024-03-16. Review status: criteria provided, single submitter. Criteria: Invitae Variant Classification Sherloc (09022015). Collection method: clinical testing. Allele origin: germline.
Comment: This sequence change replaces alanine, which is neutral and non-polar, with aspartic acid, which is acidic and polar, at codon 1737 of the PLEC protein (p.Ala1737Asp). This variant is not present in population databases (gnomAD no frequency). This variant has not been reported in the literature in individuals affected with PLEC-related conditions. Experimental studies and prediction algorithms are not available or were not evaluated, and the functional significance of this variant is currently unknown. In summary, the available evidence is currently insufficient to determine the role of this variant in disease. Therefore, it has been classified as a Variant of Uncertain Significance.

NM_201384.3(PLEC):c.5129C>A (p.Ala1710Asp)

Gene: PLEC (plectin; minus strand). Cytogenetic location: 8q24.3.
Variant type: single nucleotide variant.
Coding change: c.5129C>A on transcript NM_201384.3 (MANE Select); coding-DNA position 5129, C replaced by A.
Protein change: p.Ala1710Asp; replaces alanine 1710 with aspartic acid.
Molecular consequence: missense variant. On other transcripts: intron variant (1).
Genome position (GRCh38, 1-based): chr8:143,924,800, G>T on the plus strand (C>A on the coding strand, the complement: PLEC is on the minus strand). VCF-style: chr8-143924800-G-T. GRCh37 (hg19) VCF-style: chr8-144998968-G-T.
Other names: c.5210C>A, p.Ala1737Asp (NM_000445.5); c.5087C>A, p.Ala1696Asp (NM_201378.4); c.5063C>A, p.Ala1688Asp (NM_201379.3); c.5540C>A, p.Ala1847Asp (NM_201380.4); c.5033C>A, p.Ala1678Asp (NM_201381.3); c.5129C>A, p.Ala1710Asp (NM_201382.4); c.5141C>A, p.Ala1714Asp (NM_201383.3); c.4125+1984C>A (NM_001410941.1); short protein forms A1678D, A1688D, A1696D, A1710D, A1714D, A1737D, A1847D.
Identifiers: ClinVar variation 3761836 (VCV003761836.2).
Genomic context (GRCh38, chr8:143,924,800, plus strand): 5'-TGCCGCTGCTGCTCCCCCTGCTCCGTCTCGGCCCGCAGCCGGATCAACTCCTGCTCCGCG[G>T]CCAGGCGCTGCTGCGCGGTGCCTTCCGCCAGCTGCCGCTGCTTCTCCAGCTCTTGTTCAG-3'
Protein context (NP_958786.1, residues 1700-1720): LAEGTAQQRL[Ala1710Asp]AEQELIRLRA